The following is an entry in ClinVar:

NM_000535.7(PMS2):c.122del (p.Glu41fs)

Gene: PMS2 (PMS1 homolog 2, mismatch repair system component; minus strand). Cytogenetic location: 7p22.1.
Variant type: Deletion.
Coding change: c.122del on transcript NM_000535.7 (MANE Select); coding-DNA position 122, one base deleted (A; older notation c.122delA).
Protein change: p.Glu41fs; shifts the reading frame from glutamic acid 41.
Molecular consequence: frameshift variant. On other transcripts: 5 prime UTR variant (38), non-coding transcript variant (1), intron variant (7).
Genome position (GRCh38, 1-based): chr7:6,005,933, T deleted on the plus strand (A on the coding strand, the reverse complement: PMS2 is on the minus strand). VCF-style (leftmost placement, unchanged base first): chr7-6005932-CT-C. GRCh37 (hg19) VCF-style: chr7-6045563-CT-C.
Other names: c.-284delA (NM_001018040.1); c.-284del (NM_001322003.2, NM_001322005.2, NM_001322009.2 and 10 more transcripts); c.122del, p.Glu41fs (NM_001322006.2, NM_001322014.2, NM_001406868.1 and 10 more transcripts); c.-94del (NM_001322007.2, NM_001406876.1, NM_001406883.1 and 4 more transcripts); c.-763del (NM_001322011.2, NM_001322012.2); c.-363del (NM_001322015.2, NM_001406875.1, NM_001406877.1 and 2 more transcripts); c.308del, p.Glu103fs (NM_001406866.1); c.-310del (NM_001406880.1); and 8 more; short protein forms E103fs, E41fs.
Identifiers: ClinVar variation 2712897 (VCV002712897.4), dbSNP rs2536584230, ClinGen allele CA2697557094.

ClinVar aggregate classification (germline): Pathogenic. Review status: criteria provided, multiple submitters, no conflicts (2 of 4 stars). 2 submissions from 2 submitters: Pathogenic (2). Last evaluated 2024-05-29.

Conditions:
Hereditary nonpolyposis colorectal neoplasms. Identifiers: MedGen C0009405, MeSH D003123.
Hereditary cancer-predisposing syndrome. Also called: Neoplastic Syndromes, Hereditary; Tumor predisposition; Hereditary Cancer Syndrome; Hereditary neoplastic syndrome. Identifiers: Orphanet 140162, MedGen C0027672, MeSH D009386, MONDO:0015356.

Submissions (2):

Ambry Genetics
Classification: Pathogenic for Hereditary cancer-predisposing syndrome. Last evaluated: 2024-05-29. Review status: criteria provided, single submitter. Criteria: Ambry Variant Classification Scheme 2023. Collection method: clinical testing. Allele origin: germline.
Comment: The c.122delA pathogenic mutation, located in coding exon 2 of the PMS2 gene, results from a deletion of one nucleotide at nucleotide position 122, causing a translational frameshift with a predicted alternate stop codon (p.E41Gfs*2). The predicted stop codon occurs in the 5&rsquo; end of thePMS2 gene. Premature termination codons in the 5&rsquo; end of a gene have been reported to escape nonsense-mediated mRNAdecay and/or lead to re-initiation (Rivas et al. Science. 2015 May 8;348(6235):666-9; Lindeboom et al. Nat Genet. 2016 Oct;48(10):1112-8; Rhee et al. Sci Rep. 2017 May 10;7(1):1653). Direct evidence for this alteration is unavailable, however premature termination codons are typically deleterious in nature. This variant is considered to be rare based on population cohorts in the Genome Aggregation Database (gnomAD). Based on the supporting evidence, this variant is interpreted as a disease-causing mutation.

Labcorp Genetics (formerly Invitae), Labcorp
Classification: Pathogenic for Hereditary nonpolyposis colorectal neoplasms. Last evaluated: 2024-01-27. Review status: criteria provided, single submitter. Criteria: Invitae Variant Classification Sherloc (09022015). Collection method: clinical testing. Allele origin: germline.
Comment: This sequence change creates a premature translational stop signal (p.Glu41Glyfs*2) in the PMS2 gene. It is expected to result in an absent or disrupted protein product. Loss-of-function variants in PMS2 are known to be pathogenic (PMID: 21376568, 24362816). This variant is not present in population databases (gnomAD no frequency). This variant has not been reported in the literature in individuals affected with PMS2-related conditions. Algorithms developed to predict the effect of sequence changes on RNA splicing suggest that this variant may disrupt the consensus splice site. For these reasons, this variant has been classified as Pathogenic.

Literature cited by the submitters: PubMed 21376568 (cited by Labcorp Genetics (formerly Invitae), Labcorp); PubMed 24362816 (cited by Labcorp Genetics (formerly Invitae), Labcorp).